The following is an entry in ClinVar:

ClinVar aggregate classification (germline): Uncertain significance (1 of 4 stars; one submission).

Submission:

GeneDx
Classification: Uncertain significance. Last evaluated: 2025-06-09. Review status: criteria provided, single submitter. Criteria: GeneDx Variant Classification Process June 2021. Collection method: clinical testing. Allele origin: germline. Affected: yes.
Comment: Not observed at significant frequency in large population cohorts (gnomAD); In silico analysis suggests that this missense variant does not alter protein structure/function; Has not been previously published as pathogenic or benign to our knowledge

NM_001807.6(CEL):c.405T>A (p.His135Gln)

Gene: CEL (carboxyl ester lipase; plus strand). Cytogenetic location: 9q34.13.
Variant type: single nucleotide variant.
Coding change: c.405T>A on transcript NM_001807.6 (MANE Select); coding-DNA position 405, T replaced by A.
Protein change: p.His135Gln; replaces histidine 135 with glutamine.
Molecular consequence: missense variant.
Genome position (GRCh38, 1-based): chr9:133,065,104, T>A. VCF-style: chr9-133065104-T-A. GRCh37 (hg19) VCF-style: chr9-135940491-T-A.
Other names: short protein forms H135Q.
Identifiers: ClinVar variation 4537998 (VCV004537998.1).